The following is an entry in ClinVar:

NM_025219.3(DNAJC5):c.322-10C>T

Gene: DNAJC5 (DnaJ heat shock protein family (Hsp40) member C5; plus strand). Cytogenetic location: 20q13.33.
Variant type: single nucleotide variant.
Coding change: c.322-10C>T on transcript NM_025219.3 (MANE Select); 10 bases into the intron before coding-DNA position 322, C replaced by T.
Molecular consequence: intron variant.
Genome position (GRCh38, 1-based): chr20:63,930,841, C>T. VCF-style: chr20-63930841-C-T. GRCh37 (hg19) VCF-style: chr20-62562194-C-T.
Identifiers: ClinVar variation 137124 (VCV000137124.20), dbSNP rs78457562, ClinGen allele CA290645.

ClinVar aggregate classification (germline): Benign. Review status: criteria provided, multiple submitters, no conflicts (2 of 4 stars). 7 submissions from 7 submitters: Benign (6). 1 of the submissions does not count toward it. Last evaluated 2026-02-04.

Conditions:
Neuronal ceroid lipofuscinosis. Also called: Neuronal Ceroid Lipofuscinoses. Identifiers: Orphanet 216, Orphanet 79263, MedGen C0027877, MONDO:0016295. Disease mechanism: loss of function.
Ceroid lipofuscinosis, neuronal, 4 (Kufs type) (CLN4). Also called: Ceroid lipofuscinosis, neuronal, 4, Parry type; Neuronal ceroid lipofuscinosis 4B. Identifiers: Orphanet 228343, Orphanet 79262, MedGen C1834207, MONDO:0008083, OMIM 162350.

Allele frequency attached by ClinVar (database versions not stated): 1000 Genomes Project 0.04633; 1000 Genomes Project 30x 0.04841; TOPMed 0.06346; ExAC 0.06430; gnomAD exomes 0.06537 and 0.07245; ESP Exome Variant Server 0.07335; gnomAD 0.07473 and 0.07717.
gnomAD v4.1: 116,842 of 1,612,042 alleles (7.2%); highest among the groups gnomAD compares: Non-Finnish European, 7.5%; 4,963 homozygotes.

Submissions (7):

Labcorp Genetics (formerly Invitae), Labcorp
Classification: Benign for Neuronal ceroid lipofuscinosis. Last evaluated: 2026-02-04. Review status: criteria provided, single submitter. Criteria: Invitae Variant Classification Sherloc (09022015). Collection method: clinical testing. Allele origin: germline.

Blueprint Genetics
Classification: Benign. Last evaluated: 2024-11-28. Review status: criteria provided, single submitter. Criteria: ACMG Guidelines, 2015. Collection method: clinical testing. Allele origin: germline.

Illumina Laboratory Services, Illumina
Classification: Benign for Ceroid lipofuscinosis, neuronal, 4 (Kufs type). Last evaluated: 2018-01-13. Review status: criteria provided, single submitter. Criteria: ICSL Variant Classification Criteria 13 December 2019. Collection method: clinical testing. Allele origin: germline.
Comment: This variant was observed in the ICSL laboratory as part of a predisposition screen in an ostensibly healthy population. It had not been previously curated by ICSL or reported in the Human Gene Mutation Database (HGMD: prior to June 1st, 2018), and was therefore a candidate for classification through an automated scoring system. Utilizing variant allele frequency, disease prevalence and penetrance estimates, and inheritance mode, an automated score was calculated to assess if this variant is too frequent to cause the disease. Based on the score and internal cut-off values, a variant classified as benign is not then subjected to further curation. The score for this variant resulted in a classification of benign for this disease.

GeneDx
Classification: Benign. Last evaluated: 2013-11-05. Review status: criteria provided, single submitter. Criteria: GeneDx Variant Classification (06012015). Collection method: clinical testing. Allele origin: germline. Affected: yes.
Comment: This variant is considered likely benign or benign based on one or more of the following criteria: it is a conservative change, it occurs at a poorly conserved position in the protein, it is predicted to be benign by multiple in silico algorithms, and/or has population frequency not consistent with disease.

Breakthrough Genomics
Classification: Benign. Review status: criteria provided, single submitter. Criteria: ACMG Guidelines, 2015. Collection method: not provided. Allele origin: germline. Inheritance: Autosomal dominant inheritance. Affected: yes.

PreventionGenetics, part of Exact Sciences
Classification: Benign. Review status: criteria provided, single submitter. Criteria: ACMG Guidelines, 2015. Collection method: clinical testing. Allele origin: germline.

Mayo Clinic Laboratories, Mayo Clinic
Classification: Benign. Last evaluated: 2015-10-22. Review status: no assertion criteria provided. Collection method: clinical testing. Allele origin: unknown. Not counted in ClinVar's aggregate classification.